The following is an entry in ClinVar:

ClinVar aggregate classification (germline): Uncertain significance (1 of 4 stars; one submission).

Conditions:
Inborn genetic diseases. Identifiers: MedGen C0950123, MeSH D030342.

gnomAD v4.1: 4 of 1,614,150 alleles (0.00025%); highest among the groups gnomAD compares: East Asian, 0.0045%; no homozygotes.

Submission:

Ambry Genetics
Classification: Uncertain significance for Inborn genetic diseases. Last evaluated: 2025-06-12. Review status: criteria provided, single submitter. Criteria: Ambry Variant Classification Scheme 2023. Collection method: clinical testing. Allele origin: germline.
Comment: The p.G1371E variant (also known as c.4112G>A), located in coding exon 41 of the FANCA gene, results from a G to A substitution at nucleotide position 4112. The glycine at codon 1371 is replaced by glutamic acid, an amino acid with similar properties. This amino acid position is conserved. In addition, this alteration is predicted to be deleterious by in silico analysis. Based on the available evidence, the clinical significance of this variant remains unclear.

NM_000135.4(FANCA):c.4112G>A (p.Gly1371Glu)

Genes: FANCA (FA complementation group A; minus strand), ZNF276 (zinc finger protein 276; plus strand). Cytogenetic location: 16q24.3.
Variant type: single nucleotide variant.
Coding change: c.4112G>A on transcript NM_000135.4 (MANE Select); coding-DNA position 4112, G replaced by A.
Protein change: p.Gly1371Glu; replaces glycine 1371 with glutamic acid.
Molecular consequence: missense variant. On other transcripts: 3 prime UTR variant (2), non-coding transcript variant (4).
Genome position (GRCh38, 1-based): chr16:89,739,188, C>T on the plus strand (G>A on the coding strand, the complement: FANCA is on the minus strand). VCF-style: chr16-89739188-C-T. GRCh37 (hg19) VCF-style: chr16-89805596-C-T.
Other names: c.4112G>A, p.Gly1371Glu (NM_001286167.3); c.*942C>T (NM_001113525.2, NM_152287.4); short protein forms G1371E.
Identifiers: ClinVar variation 4022370 (VCV004022370.1).
Genomic context (GRCh38, chr16:89,739,188, plus strand): 5'-CCTGCCTGACCCTTGAGCTCCAGGCTCCTGCCAGCTGGAGGTGAAACTGTGCTTGTATCC[C>T]CAGCCACGAAGAGCTGGACCAGCTTCAAGTACATGTCCACAGCAACATGCAGGAAGGCCT-3'
Protein context (NP_000126.2, residues 1361-1381): YLKLVQLFVA[Gly1371Glu]DTSTVSPPAG